The following is an entry in ClinVar:

ClinVar aggregate classification (germline): Conflicting classifications of pathogenicity. Review status: criteria provided, conflicting classifications (1 of 4 stars). 3 submissions from 3 submitters: Uncertain significance (2); Likely benign (1). Last evaluated 2024-12-04.

Conditions:
RASopathy. Also called: rasopathies; Noonan spectrum disorder. Identifiers: Orphanet 536391, MedGen C5555857, MONDO:0021060.
Noonan syndrome and Noonan-related syndrome. Identifiers: Orphanet 98733, MedGen C5681679, MONDO:0020297.
Cardiovascular phenotype. Identifiers: MedGen CN230736.

Allele frequency attached by ClinVar (database versions not stated): ExAC 0.00002; 1000 Genomes Project 0.00020; 1000 Genomes Project 30x 0.00031.
gnomAD v4.1: 7 of 1,614,042 alleles (0.00043%); highest among the groups gnomAD compares: African/African-American, 0.0053%; no homozygotes.

Submissions (3):

Labcorp Genetics (formerly Invitae), Labcorp
Classification: Likely benign for RASopathy. Last evaluated: 2024-12-04. Review status: criteria provided, single submitter. Criteria: Invitae Variant Classification Sherloc (09022015). Collection method: clinical testing. Allele origin: germline.

Ambry Genetics
Classification: Uncertain significance for Cardiovascular phenotype. Last evaluated: 2024-11-28. Review status: criteria provided, single submitter. Criteria: Ambry Variant Classification Scheme 2023. Collection method: clinical testing. Allele origin: germline.
Comment: The p.S642N variant (also known as c.1925G>A), located in coding exon 11 of the CBL gene, results from a G to A substitution at nucleotide position 1925. The serine at codon 642 is replaced by asparagine, an amino acid with highly similar properties. This amino acid position is conserved. In addition, this alteration is predicted to be tolerated by in silico analysis. Based on the available evidence, the clinical significance of this variant remains unclear.

Genome Diagnostics Laboratory, The Hospital for Sick Children
Classification: Uncertain significance for Noonan syndrome and Noonan-related syndrome. Last evaluated: 2020-10-15. Review status: criteria provided, single submitter. Criteria: ACMG Guidelines, 2015. Collection method: clinical testing. Allele origin: germline.

NM_005188.4(CBL):c.1925G>A (p.Ser642Asn)

Gene: CBL (Cbl proto-oncogene; plus strand). Cytogenetic location: 11q23.3.
Variant type: single nucleotide variant.
Coding change: c.1925G>A on transcript NM_005188.4 (MANE Select); coding-DNA position 1925, G replaced by A.
Protein change: p.Ser642Asn; replaces serine 642 with asparagine.
Molecular consequence: missense variant.
Genome position (GRCh38, 1-based): chr11:119,285,550, G>A. VCF-style: chr11-119285550-G-A. GRCh37 (hg19) VCF-style: chr11-119156260-G-A.
Other names: c.1925G>A (NM_005188.2); short protein forms S642N.
Identifiers: ClinVar variation 1334235 (VCV001334235.9), dbSNP rs571045498, ClinGen allele CA6318625.
Genomic context (GRCh38, chr11:119,285,550, plus strand): 5'-TTTCATTGCCCTCACAAATGGAGCCCAGACCAGATGTGCCTAGGCTCGGAAGCACGTTCA[G>A]TCTGGATACCTCCATGGTGAGTCTTAATTTTGAAACTATCTAACCTGTTAAGAAATATGT-3'
Protein context (NP_005179.2, residues 632-652): PDVPRLGSTF[Ser642Asn]LDTSMSMNSS